The following is an entry in ClinVar:

NM_001042492.3(NF1):c.8095C>G (p.Gln2699Glu)

Gene: NF1 (neurofibromin 1; plus strand). Cytogenetic location: 17q11.2.
Variant type: single nucleotide variant.
Coding change: c.8095C>G on transcript NM_001042492.3 (MANE Select); coding-DNA position 8095, C replaced by G.
Protein change: p.Gln2699Glu; replaces glutamine 2699 with glutamic acid.
Molecular consequence: missense variant.
Genome position (GRCh38, 1-based): chr17:31,358,604, C>G. VCF-style: chr17-31358604-C-G. GRCh37 (hg19) VCF-style: chr17-29685622-C-G.
Other names: c.8032C>G, p.Gln2678Glu (NM_000267.4); short protein forms Q2699E, Q2678E.
Identifiers: ClinVar variation 484062 (VCV000484062.5), dbSNP rs786203443, ClinGen allele CA399203958.

ClinVar aggregate classification (germline): Uncertain significance (1 of 4 stars; one submission).

Conditions:
Cardiovascular phenotype. Identifiers: MedGen CN230736.
Hereditary cancer-predisposing syndrome. Also called: Neoplastic Syndromes, Hereditary; Tumor predisposition; Hereditary Cancer Syndrome; Hereditary neoplastic syndrome. Identifiers: Orphanet 140162, MedGen C0027672, MeSH D009386, MONDO:0015356.

Submission:

Ambry Genetics
Classification: Uncertain significance for Cardiovascular phenotype; Hereditary cancer-predisposing syndrome. Last evaluated: 2016-09-27. Review status: criteria provided, single submitter. Criteria: Ambry Variant Classification Scheme 2023. Collection method: clinical testing. Allele origin: germline.
Comment: The p.Q2678E variant (also known as c.8032C>G), located in coding exon 54 of the NF1 gene, results from a C to G substitution at nucleotide position 8032. The glutamine at codon 2678 is replaced by glutamic acid, an amino acid with highly similar properties. This variant was not reported in population based cohorts in the following databases: Database of Single Nucleotide Polymorphisms (dbSNP), NHLBI Exome Sequencing Project (ESP), and 1000 Genomes Project. In the ESP, this variant was not observed in 6503 samples (13006 alleles) with coverage at this position. To date, this alteration has been detected with an allele frequency of approximately 0.001% (greater than 175000 alleles tested) in our clinical cohort. This amino acid position is highly conserved in available vertebrate species. In addition, this alteration is predicted to be tolerated by in silico analysis. Since supporting evidence is limited at this time, the clinical significance of this alteration remains unclear.